The following is an entry in ClinVar:

NM_001018113.3(FANCB):c.1556G>T (p.Arg519Leu)

Gene: FANCB (FA complementation group B; minus strand). Cytogenetic location: Xp22.2.
Variant type: single nucleotide variant.
Coding change: c.1556G>T on transcript NM_001018113.3 (MANE Select); coding-DNA position 1556, G replaced by T.
Protein change: p.Arg519Leu; replaces arginine 519 with leucine.
Molecular consequence: missense variant.
Genome position (GRCh38, 1-based): chrX:14,845,227, C>A on the plus strand (G>T on the coding strand, the complement: FANCB is on the minus strand). VCF-style: chrX-14845227-C-A. GRCh37 (hg19) VCF-style: chrX-14863349-C-A.
Other names: c.1556G>T, p.Arg519Leu (NM_001324162.2, NM_001410764.1, NM_152633.4); short protein forms R519L.
Identifiers: ClinVar variation 3668798 (VCV003668798.1).

ClinVar aggregate classification (germline): Uncertain significance (1 of 4 stars; one submission).

Conditions:
Fanconi anemia (FA). Also called: Fanconi's anemia. Identifiers: Orphanet 84, MedGen C0015625, MeSH D005199, MONDO:0019391.

gnomAD v4.1: 4 of 1,209,328 alleles (0.00033%); highest among the groups gnomAD compares: East Asian, 0.003%; no homozygotes.

Submission:

Labcorp Genetics (formerly Invitae), Labcorp
Classification: Uncertain significance for Fanconi anemia. Last evaluated: 2024-08-09. Review status: criteria provided, single submitter. Criteria: Invitae Variant Classification Sherloc (09022015). Collection method: clinical testing. Allele origin: germline.
Comment: This sequence change replaces arginine, which is basic and polar, with leucine, which is neutral and non-polar, at codon 519 of the FANCB protein (p.Arg519Leu). This variant is not present in population databases (gnomAD no frequency). This variant has not been reported in the literature in individuals affected with FANCB-related conditions. Advanced modeling of protein sequence and biophysical properties (such as structural, functional, and spatial information, amino acid conservation, physicochemical variation, residue mobility, and thermodynamic stability) performed at Invitae indicates that this missense variant is not expected to disrupt FANCB protein function with a negative predictive value of 80%. In summary, the available evidence is currently insufficient to determine the role of this variant in disease. Therefore, it has been classified as a Variant of Uncertain Significance.